The following is an entry in ClinVar:

NM_001142966.3(GREB1L):c.3492G>T (p.Gly1164=)

Gene: GREB1L (GREB1 like retinoic acid receptor coactivator; plus strand). Cytogenetic location: 18q11.1.
Variant type: single nucleotide variant.
Coding change: c.3492G>T on transcript NM_001142966.3 (MANE Select); coding-DNA position 3492, G replaced by T.
Protein change: p.Gly1164=; no amino-acid change (glycine 1164 retained).
Molecular consequence: synonymous variant.
Genome position (GRCh38, 1-based): chr18:21,499,829, G>T. VCF-style: chr18-21499829-G-T. GRCh37 (hg19) VCF-style: chr18-19079790-G-T.
Identifiers: ClinVar variation 917909 (VCV000917909.1), dbSNP rs1397674356, ClinGen allele CA503518509.

ClinVar aggregate classification (germline): Uncertain significance (1 of 4 stars; one submission).

Conditions:
Renal hypodysplasia/aplasia 3 (RHDA3). Identifiers: MedGen C4540497, MONDO:0024520, OMIM 617805.
Mayer-Rokitansky-Kuster-Hauser syndrome (CAUV). Also called: CONGENITAL ABSENCE OF UTERUS AND VAGINA; MULLERIAN APLASIA/DYSGENESIS; Mayer-Rokitansky-Küster-Hauser syndrome; Rokitansky sequence. Identifiers: Orphanet 247775, Orphanet 3109, MedGen C0431648, MONDO:0017771.

Allele frequency attached by ClinVar (database versions not stated): TOPMed below 0.00001.
gnomAD v4.1: 1 of 1,551,794 alleles (0.000064%); highest among the groups gnomAD compares: Non-Finnish European, 0.000087%; no homozygotes.

Submission:

Human Genetic Laboratory, University of Liege
Classification: Uncertain significance for Renal hypodysplasia/aplasia 3; Mayer Rokitansky Kuster Hauser syndrome type 1. Last evaluated: 2020-02-20. Review status: criteria provided, single submitter. Criteria: ACMG Guidelines, 2015. Collection method: research. Allele origin: unknown. Inheritance: Autosomal unknown. Affected: yes. Observed: 1 heterozygote.
Comment: This is a novel synonymous variant in GREB1L, a gene previously associated with renal and uterine malformations in human. This synonymous variant is not reported in Gnomad. In silico tools predict no impact on the splice consensus sequence nor the creation of a new splice site, and the nucleotide is not conserved. Sequencing was not performed in the parents.